The following is an entry in ClinVar:

NM_000545.8(HNF1A):c.1139_1149del (p.Val380fs)

Gene: HNF1A (HNF1 homeobox A; plus strand). Cytogenetic location: 12q24.31.
Variant type: Deletion.
Coding change: c.1139_1149del on transcript NM_000545.8 (MANE Select); coding-DNA positions 1139 to 1149, 11 bases deleted (TCAGCACCCTG).
Protein change: p.Val380fs; shifts the reading frame from valine 380.
Molecular consequence: frameshift variant.
Genome position (GRCh38, 1-based): chr12:120,996,572-120,996,582, TCAGCACCCTG deleted; deleting any 11 consecutive bases within chr12:120,996,567-120,996,582 gives the same sequence; the c. name uses the placement nearest the transcript's 3' end. VCF-style (leftmost placement, unchanged base first): chr12-120996566-CCCCTGTCAGCA-C. GRCh37 (hg19) VCF-style: chr12-121434369-CCCCTGTCAGCA-C.
Other names: c.1139_1149del, p.Val380fs (NM_001306179.2, NM_001406915.1); short protein forms V380fs.
Identifiers: ClinVar variation 2920820 (VCV002920820.1), dbSNP rs2500002334, ClinGen allele CA2739277330.

ClinVar aggregate classification (germline): Pathogenic (1 of 4 stars; one submission).

Submission:

ARUP Laboratories, Molecular Genetics and Genomics, ARUP Laboratories
Classification: Pathogenic. Last evaluated: 2023-06-28. Review status: criteria provided, single submitter. Criteria: ARUP Molecular Germline Variant Investigation Process 2024. Collection method: clinical testing. Allele origin: germline.
Comment: The HNF1A c.1139_1149del; p.Val380AspfsTer35 variant, to our knowledge, is not reported in the medical literature or gene specific databases. This variant is absent from the Genome Aggregation Database, indicating it is not a common polymorphism. Other frameshift variants at this codon (c.1137delT; p.Val380SerfsTer4, c.1139delT; p.Val380AlafsTer4 referred to as p.P379fs) are reported in individuals with MODY (Breidbart 2021, Marchand 2021). The c.1139_1149del variant causes a frameshift by deleting 11 nucleotides, so it is predicted to result in a truncated protein or mRNA subject to nonsense-mediated decay. Based on available information, this variant is considered to be pathogenic. References: Breidbart E et al. Frequency and characterization of mutations in genes in a large cohort of patients referred to MODY registry. J Pediatr Endocrinol Metab. 2021 Apr 13;34(5):633-638. PMID: 33852230. Marchand L et al. Monogenic Causes in the Type 1 Diabetes Genetics Consortium Cohort: Low Genetic Risk for Autoimmunity in Case Selection. J Clin Endocrinol Metab. 2021 May 13;106(6):1804-1810. PMID: 33538814.